The following is an entry in ClinVar:

NM_015213.4(DENND5A):c.1528T>C (p.Tyr510His)

Gene: DENND5A (DENN domain containing 5A; minus strand). Cytogenetic location: 11p15.4.
Variant type: single nucleotide variant.
Coding change: c.1528T>C on transcript NM_015213.4 (MANE Select); coding-DNA position 1528, T replaced by C.
Protein change: p.Tyr510His; replaces tyrosine 510 with histidine.
Molecular consequence: missense variant. On other transcripts: non-coding transcript variant (1).
Genome position (GRCh38, 1-based): chr11:9,179,001, A>G on the plus strand (T>C on the coding strand, the complement: DENND5A is on the minus strand). VCF-style: chr11-9179001-A-G. GRCh37 (hg19) VCF-style: chr11-9200548-A-G.
Other names: c.1528T>C, p.Tyr510His (NM_001243254.2, NM_001348748.1); c.1456T>C, p.Tyr486His (NM_001348749.2); c.1240T>C, p.Tyr414His (NM_001348750.2); short protein forms Y486H, Y414H, Y510H.
Identifiers: ClinVar variation 2015033 (VCV002015033.4), dbSNP rs2493830513, ClinGen allele CA379615816.

ClinVar aggregate classification (germline): Uncertain significance (1 of 4 stars; one submission).

Submission:

Labcorp Genetics (formerly Invitae), Labcorp
Classification: Uncertain significance. Last evaluated: 2022-07-08. Review status: criteria provided, single submitter. Criteria: Invitae Variant Classification Sherloc (09022015). Collection method: clinical testing. Allele origin: germline.
Comment: In summary, the available evidence is currently insufficient to determine the role of this variant in disease. Therefore, it has been classified as a Variant of Uncertain Significance. Algorithms developed to predict the effect of missense changes on protein structure and function (SIFT, PolyPhen-2, Align-GVGD) all suggest that this variant is likely to be tolerated. This variant has not been reported in the literature in individuals affected with DENND5A-related conditions. This variant is not present in population databases (gnomAD no frequency). This sequence change replaces tyrosine, which is neutral and polar, with histidine, which is basic and polar, at codon 510 of the DENND5A protein (p.Tyr510His).